The following is an entry in ClinVar:

NM_003803.4(MYOM1):c.5038G>A (p.Gly1680Ser)

Gene: MYOM1 (myomesin 1; minus strand). Cytogenetic location: 18p11.31.
Variant type: single nucleotide variant.
Coding change: c.5038G>A on transcript NM_003803.4 (MANE Select); coding-DNA position 5038, G replaced by A.
Protein change: p.Gly1680Ser; replaces glycine 1680 with serine.
Molecular consequence: missense variant.
Genome position (GRCh38, 1-based): chr18:3,067,282, C>T on the plus strand (G>A on the coding strand, the complement: MYOM1 is on the minus strand). VCF-style: chr18-3067282-C-T. GRCh37 (hg19) VCF-style: chr18-3067280-C-T.
Other names: c.4750G>A, p.Gly1584Ser (NM_019856.2); short protein forms G1584S, G1680S.
Identifiers: ClinVar variation 3223574 (VCV003223574.1), dbSNP rs762687220, ClinGen allele CA401704660.

ClinVar aggregate classification (germline): Uncertain significance (1 of 4 stars; one submission).

Allele frequency attached by ClinVar (database versions not stated): TOPMed below 0.00001.
gnomAD v4.1: 3 of 1,606,220 alleles (0.00019%); highest among the groups gnomAD compares: South Asian, 0.0011%; no homozygotes.

Submission:

Ambry Genetics
Classification: Uncertain significance. Last evaluated: 2023-10-16. Review status: criteria provided, single submitter. Criteria: Ambry Variant Classification Scheme 2023. Collection method: clinical testing. Allele origin: germline.
Comment: The p.G1680S variant (also known as c.5038G>A), located in coding exon 37 of the MYOM1 gene, results from a G to A substitution at nucleotide position 5038. The glycine at codon 1680 is replaced by serine, an amino acid with similar properties. This amino acid position is conserved. In addition, this alteration is predicted to be tolerated by in silico analysis. Since supporting evidence is limited at this time, the clinical significance of this alteration remains unclear.